The following is an entry in ClinVar:

ClinVar aggregate classification (germline): Likely benign. Review status: criteria provided, multiple submitters, no conflicts (2 of 4 stars). 3 submissions from 3 submitters: Likely benign (3). Last evaluated 2026-01-04.

Conditions:
Aortic aneurysm, familial thoracic 7 (AAT7). Also called: AORTIC DISSECTION, FAMILIAL, WITH OR WITHOUT AORTIC ANEURYSM. Identifiers: MedGen C3151077, MONDO:0013418, OMIM 613780.
MYLK-related disorder. Also called: MYLK-related condition.

Allele frequency attached by ClinVar (database versions not stated): gnomAD exomes below 0.00001; ExAC 0.00001; gnomAD 0.00005; TOPMed 0.00008.
gnomAD v4.1: 11 of 1,613,934 alleles (0.00068%); highest among the groups gnomAD compares: Admixed American, 0.0083%; no homozygotes.

Submissions (3):

Labcorp Genetics (formerly Invitae), Labcorp
Classification: Likely benign for Aortic aneurysm, familial thoracic 7. Last evaluated: 2026-01-04. Review status: criteria provided, single submitter. Criteria: Invitae Variant Classification Sherloc (09022015). Collection method: clinical testing. Allele origin: germline.

PreventionGenetics, part of Exact Sciences
Classification: Likely benign for MYLK-related condition. Last evaluated: 2025-06-24. Review status: criteria provided, single submitter. Criteria: ACMG Guidelines, 2015. Collection method: clinical testing. Allele origin: germline.
Comment: This variant is classified as likely benign based on ACMG/AMP sequence variant interpretation guidelines (Richards et al. 2015 PMID: 25741868, with internal and published modifications).

Women's Health and Genetics/Laboratory Corporation of America, LabCorp
Classification: Likely benign. Last evaluated: 2023-08-10. Review status: criteria provided, single submitter. Criteria: LabCorp Variant Classification Summary - May 2015. Collection method: clinical testing. Allele origin: germline.

NM_053025.4(MYLK):c.4644G>A (p.Glu1548=)

Gene: MYLK (myosin light chain kinase; minus strand). Cytogenetic location: 3q21.1.
Variant type: single nucleotide variant.
Coding change: c.4644G>A on transcript NM_053025.4 (MANE Select); coding-DNA position 4644, G replaced by A.
Protein change: p.Glu1548=; no amino-acid change (glutamic acid 1548 retained).
Molecular consequence: synonymous variant.
Genome position (GRCh38, 1-based): chr3:123,640,480, C>T on the plus strand (G>A on the coding strand, the complement: MYLK is on the minus strand). VCF-style: chr3-123640480-C-T. GRCh37 (hg19) VCF-style: chr3-123359327-C-T.
Other names: c.4116G>A, p.Glu1372= (NM_001321309.2); c.4437G>A, p.Glu1479= (NM_053026.4, NM_053028.4); c.4644G>A, p.Glu1548= (NM_053027.4); c.4644G>A (NM_053025.3).
Identifiers: ClinVar variation 2143411 (VCV002143411.6), dbSNP rs768844388, ClinGen allele CA071958.